The following is an entry in ClinVar:

NM_052854.4(CREB3L1):c.472C>G (p.Leu158Val)

Gene: CREB3L1 (cAMP responsive element binding protein 3 like 1; plus strand). Cytogenetic location: 11p11.2.
Variant type: single nucleotide variant.
Coding change: c.472C>G on transcript NM_052854.4 (MANE Select); coding-DNA position 472, C replaced by G.
Protein change: p.Leu158Val; replaces leucine 158 with valine.
Molecular consequence: missense variant.
Genome position (GRCh38, 1-based): chr11:46,307,956, C>G. VCF-style: chr11-46307956-C-G. GRCh37 (hg19) VCF-style: chr11-46329507-C-G.
Other names: c.472C>G (NM_052854.2); short protein forms L158V.
Identifiers: ClinVar variation 1440939 (VCV001440939.7), dbSNP rs746052262, ClinGen allele CA221596356.

ClinVar aggregate classification (germline): Uncertain significance. Review status: criteria provided, multiple submitters, no conflicts (2 of 4 stars). 2 submissions from 2 submitters: Uncertain significance (2). Last evaluated 2025-05-23.

Conditions:
Inborn genetic diseases. Identifiers: MedGen C0950123, MeSH D030342.

Allele frequency attached by ClinVar (database versions not stated): gnomAD 0.00003.

Submissions (2):

Ambry Genetics
Classification: Uncertain significance for Inborn genetic diseases. Last evaluated: 2025-05-23. Review status: criteria provided, single submitter. Criteria: Ambry Variant Classification Scheme 2023. Collection method: clinical testing. Allele origin: germline.

Labcorp Genetics (formerly Invitae), Labcorp
Classification: Uncertain significance. Last evaluated: 2024-01-29. Review status: criteria provided, single submitter. Criteria: Invitae Variant Classification Sherloc (09022015). Collection method: clinical testing. Allele origin: germline.
Comment: This sequence change replaces leucine, which is neutral and non-polar, with valine, which is neutral and non-polar, at codon 158 of the CREB3L1 protein (p.Leu158Val). This variant is present in population databases (no rsID available, gnomAD 0.005%). This variant has not been reported in the literature in individuals affected with CREB3L1-related conditions. ClinVar contains an entry for this variant (Variation ID: 1440939). An algorithm developed to predict the effect of missense changes on protein structure and function (PolyPhen-2) suggests that this variant is likely to be tolerated. In summary, the available evidence is currently insufficient to determine the role of this variant in disease. Therefore, it has been classified as a Variant of Uncertain Significance.